The following is an entry in ClinVar:

ClinVar aggregate classification (germline): Likely pathogenic (1 of 4 stars; one submission).

Conditions:
Hereditary cancer-predisposing syndrome. Also called: Hereditary Cancer Syndrome; Hereditary neoplastic syndrome; Neoplastic Syndromes, Hereditary; Tumor predisposition. Identifiers: Orphanet 140162, MedGen C0027672, MeSH D009386, MONDO:0015356.

Submission:

Ambry Genetics
Classification: Likely pathogenic for Hereditary cancer-predisposing syndrome. Last evaluated: 2025-07-11. Review status: criteria provided, single submitter. Criteria: Ambry Variant Classification Scheme 2023. Collection method: clinical testing. Allele origin: germline.
Comment: The c.1301-1G>A intronic variant results from a G to A substitution one nucleotide upstream from coding exon 9 of the FLCN gene. Alterations that disrupt the canonical splice site are expected to result in aberrant splicing. In silico splice site analysis predicts that this alteration will weaken the native splice acceptor site and may result in the creation or strengthening of a novel splice acceptor site. A resulting transcript is predicted to be in-frame and is not expected to trigger nonsense-mediated mRNAdecay, direct evidence is insufficient at this time (Ambry internal data). However, a significant portion of the protein is predicted to be impacted (Ambry internal data). This variant was reported in individual(s) with features consistent with Birt-Hogg-Dube syndrome (Ray A et al. Orphanet J Rare Dis, 2022 Apr;17:176; Ambry internal data). This variant was not reported in population-based cohorts in the Genome Aggregation Database (gnomAD). This nucleotide position is highly conserved in available vertebrate species. Based on the majority of available evidence to date, this variant is likely to be pathogenic.

Literature cited by the submitters: PubMed 18234728; PubMed 35477461.

NM_144997.7(FLCN):c.1301-1G>A

Gene: FLCN (folliculin; minus strand). Cytogenetic location: 17p11.2.
Variant type: single nucleotide variant.
Coding change: c.1301-1G>A on transcript NM_144997.7 (MANE Select); the canonical splice acceptor site of the intron before coding-DNA position 1301, G replaced by A.
Molecular consequence: splice acceptor variant.
Genome position (GRCh38, 1-based): chr17:17,215,317, C>T on the plus strand (G>A on the coding strand, the complement: FLCN is on the minus strand). VCF-style: chr17-17215317-C-T. GRCh37 (hg19) VCF-style: chr17-17118631-C-T.
Other names: c.1301-1G>A (NM_001353231.2, NM_001353230.2); c.1355-1G>A (NM_001353229.2).
Identifiers: ClinVar variation 1769408 (VCV001769408.3), dbSNP rs2046884079, ClinGen allele CA398531519.